The following is an entry in ClinVar:

ClinVar aggregate classification (germline): Uncertain significance. Review status: criteria provided, multiple submitters, no conflicts (2 of 4 stars). 3 submissions from 3 submitters: Uncertain significance (3). Last evaluated 2023-05-10.

Conditions:
Weill-Marchesani 4 syndrome, recessive. Also called: Weill-Marchesani syndrome 4. Identifiers: Orphanet 363992, MedGen C2750787, MONDO:0013176, OMIM 613195.
Inborn genetic diseases. Identifiers: MedGen C0950123, MeSH D030342.

Allele frequency attached by ClinVar (database versions not stated): gnomAD exomes 0.00003 and 0.00004; gnomAD 0.00013 and 0.00015; TOPMed 0.00015; 1000 Genomes Project 0.00020; 1000 Genomes Project 30x 0.00031.
gnomAD v4.1: 60 of 1,551,428 alleles (0.0039%); highest among the groups gnomAD compares: Admixed American, 0.047%; no homozygotes.

Submissions (3):

New York Genome Center
Classification: Uncertain significance for Weill-Marchesani 4 syndrome, recessive. Last evaluated: 2023-05-10. Review status: criteria provided, single submitter. Criteria: NYGC Assertion Criteria 2020. Collection method: clinical testing. Allele origin: inherited. Observed: 1 heterozygote.

Ambry Genetics
Classification: Uncertain significance for Inborn genetic diseases. Last evaluated: 2022-09-29. Review status: criteria provided, single submitter. Criteria: Ambry Variant Classification Scheme 2023. Collection method: clinical testing. Allele origin: germline.

Labcorp Genetics (formerly Invitae), Labcorp
Classification: Uncertain significance. Last evaluated: 2022-08-15. Review status: criteria provided, single submitter. Criteria: Invitae Variant Classification Sherloc (09022015). Collection method: clinical testing. Allele origin: germline.
Comment: This sequence change replaces alanine, which is neutral and non-polar, with threonine, which is neutral and polar, at codon 1034 of the ADAMTS17 protein (p.Ala1034Thr). The frequency data for this variant in the population databases is considered unreliable, as metrics indicate poor data quality at this position in the gnomAD database. This variant has not been reported in the literature in individuals affected with ADAMTS17-related conditions. ClinVar contains an entry for this variant (Variation ID: 1432239). Algorithms developed to predict the effect of missense changes on protein structure and function are either unavailable or do not agree on the potential impact of this missense change (SIFT: "Not Available"; PolyPhen-2: "Benign"; Align-GVGD: "Not Available"). In summary, the available evidence is currently insufficient to determine the role of this variant in disease. Therefore, it has been classified as a Variant of Uncertain Significance.

NM_139057.4(ADAMTS17):c.3100G>A (p.Ala1034Thr)

Gene: ADAMTS17 (ADAM metallopeptidase with thrombospondin type 1 motif 17; minus strand). Cytogenetic location: 15q26.3.
Variant type: single nucleotide variant.
Coding change: c.3100G>A on transcript NM_139057.4 (MANE Select); coding-DNA position 3100, G replaced by A.
Protein change: p.Ala1034Thr; replaces alanine 1034 with threonine.
Molecular consequence: missense variant.
Genome position (GRCh38, 1-based): chr15:99,976,072, C>T on the plus strand (G>A on the coding strand, the complement: ADAMTS17 is on the minus strand). VCF-style: chr15-99976072-C-T. GRCh37 (hg19) VCF-style: chr15-100516277-C-T.
Other names: c.3100G>A (NM_139057.2); short protein forms A1034T.
Identifiers: ClinVar variation 1432239 (VCV001432239.4), dbSNP rs527897248, ClinGen allele CA7757489.